The following is an entry in ClinVar:

NM_006949.4(STXBP2):c.1525C>T (p.Gln509Ter)

Gene: STXBP2 (syntaxin binding protein 2; plus strand). Cytogenetic location: 19p13.2.
Variant type: single nucleotide variant.
Coding change: c.1525C>T on transcript NM_006949.4 (MANE Select); coding-DNA position 1525, C replaced by T.
Protein change: p.Gln509Ter; replaces glutamine 509 with a stop codon.
Molecular consequence: nonsense. On other transcripts: non-coding transcript variant (1).
Genome position (GRCh38, 1-based): chr19:7,647,234, C>T. VCF-style: chr19-7647234-C-T. GRCh37 (hg19) VCF-style: chr19-7712120-C-T.
Other names: c.1516C>T, p.Gln506Ter (NM_001127396.3); c.1558C>T, p.Gln520Ter (NM_001272034.2); short protein forms Q509*, Q520*, Q506*.
Identifiers: ClinVar variation 1454120 (VCV001454120.7), dbSNP rs760061071, ClinGen allele CA403161874.
Genomic context (GRCh38, chr19:7,647,234, plus strand): 5'-GACCGGCTGGACAGGAACCTGTGGCCCTTCGTATCCGACCCCGCCCCCACGGCCAGCTCC[C>T]AGGCCGCTGTCAGGTGAGGCCCCGGGGCCGCCCCCGCCCACGCCTGGGTCTGTGTTAGGT-3'

ClinVar aggregate classification (germline): Pathogenic/Likely pathogenic. Review status: criteria provided, multiple submitters, no conflicts (2 of 4 stars). 2 submissions from 2 submitters: Pathogenic (1); Likely pathogenic (1). Last evaluated 2023-06-01.

Conditions:
Familial hemophagocytic lymphohistiocytosis 5. Also called: STXBP2-Related Familial Hemophagocytic Lymphohistiocytosis (STXBP2-fHLH). Identifiers: Orphanet 540, MedGen C2751293, MONDO:0013135, OMIM 613101.

Submissions (2):

Baylor Genetics
Classification: Likely pathogenic for Familial hemophagocytic lymphohistiocytosis 5. Last evaluated: 2023-06-01. Review status: criteria provided, single submitter. Criteria: ACMG Guidelines, 2015. Collection method: clinical testing. Allele origin: unknown.

Labcorp Genetics (formerly Invitae), Labcorp
Classification: Pathogenic for Familial hemophagocytic lymphohistiocytosis 5. Last evaluated: 2020-12-03. Review status: criteria provided, single submitter. Criteria: Invitae Variant Classification Sherloc (09022015). Collection method: clinical testing. Allele origin: germline.
Comment: This variant has not been reported in the literature in individuals with STXBP2-related conditions. For these reasons, this variant has been classified as Pathogenic. This variant is not present in population databases (ExAC no frequency). This sequence change creates a premature translational stop signal (p.Gln509*) in the STXBP2 gene. It is expected to result in an absent or disrupted protein product. Loss-of-function variants in STXBP2 are known to be pathogenic (PMID: 19804848, 22451424).

Literature cited by the submitters: PubMed 19804848 (cited by Labcorp Genetics (formerly Invitae), Labcorp); PubMed 22451424 (cited by Labcorp Genetics (formerly Invitae), Labcorp).